The following is an entry in ClinVar:

NM_001144967.3(NEDD4L):c.1132G>A (p.Val378Met)

Gene: NEDD4L (NEDD4 like E3 ubiquitin protein ligase; plus strand). Cytogenetic location: 18q21.31.
Variant type: single nucleotide variant.
Coding change: c.1132G>A on transcript NM_001144967.3 (MANE Select); coding-DNA position 1132, G replaced by A.
Protein change: p.Val378Met; replaces valine 378 with methionine.
Molecular consequence: missense variant. On other transcripts: intron variant (1).
Genome position (GRCh38, 1-based): chr18:58,341,044, G>A. VCF-style: chr18-58341044-G-A. GRCh37 (hg19) VCF-style: chr18-56008276-G-A.
Other names: c.769G>A, p.Val257Met (NM_001144964.1, NM_001144965.2, NM_001144966.3); c.1108G>A, p.Val370Met (NM_001144968.2); c.1048G>A, p.Val350Met (NM_001144969.2); c.709G>A, p.Val237Met (NM_001144970.3, NM_001144971.2); c.1072G>A, p.Val358Met (NM_015277.6); c.1066-634G>A (NM_001243960.2); short protein forms V257M, V370M, V237M, V358M, V350M, V378M.
Identifiers: ClinVar variation 1368620 (VCV001368620.9), dbSNP rs2145157218, ClinGen allele CA402560838.

ClinVar aggregate classification (germline): Uncertain significance. Review status: criteria provided, multiple submitters, no conflicts (2 of 4 stars). 2 submissions from 2 submitters: Uncertain significance (2). Last evaluated 2023-04-14.

Conditions:
Periventricular nodular heterotopia 7 (PVNH7). Identifiers: MedGen C4310669, MONDO:0014966, OMIM 617201.

Submissions (2):

Labcorp Genetics (formerly Invitae), Labcorp
Classification: Uncertain significance. Last evaluated: 2023-04-14. Review status: criteria provided, single submitter. Criteria: Invitae Variant Classification Sherloc (09022015). Collection method: clinical testing. Allele origin: germline.
Comment: This sequence change replaces valine, which is neutral and non-polar, with methionine, which is neutral and non-polar, at codon 358 of the NEDD4L protein (p.Val358Met). This variant is not present in population databases (gnomAD no frequency). This variant has not been reported in the literature in individuals affected with NEDD4L-related conditions. ClinVar contains an entry for this variant (Variation ID: 1368620). Advanced modeling of protein sequence and biophysical properties (such as structural, functional, and spatial information, amino acid conservation, physicochemical variation, residue mobility, and thermodynamic stability) performed at Invitae indicates that this missense variant is not expected to disrupt NEDD4L protein function. In summary, the available evidence is currently insufficient to determine the role of this variant in disease. Therefore, it has been classified as a Variant of Uncertain Significance.

Fulgent Genetics
Classification: Uncertain significance for Periventricular nodular heterotopia 7. Last evaluated: 2022-02-11. Review status: criteria provided, single submitter. Criteria: ACMG Guidelines, 2015. Collection method: clinical testing. Allele origin: unknown.